The following is an entry in ClinVar:

ClinVar aggregate classification (germline): Uncertain significance (1 of 4 stars; one submission).

Conditions:
Nephronophthisis. Also called: Juvenile Nephronophthisis. Identifiers: Orphanet 655, MedGen C0687120, MONDO:0019005, HP:0000090.

Submission:

Labcorp Genetics (formerly Invitae), Labcorp
Classification: Uncertain significance for Nephronophthisis. Last evaluated: 2022-06-19. Review status: criteria provided, single submitter. Criteria: Invitae Variant Classification Sherloc (09022015). Collection method: clinical testing. Allele origin: germline.
Comment: In summary, the available evidence is currently insufficient to determine the role of this variant in disease. Therefore, it has been classified as a Variant of Uncertain Significance. Algorithms developed to predict the effect of sequence changes on RNA splicing suggest that this variant may disrupt the consensus splice site. Algorithms developed to predict the effect of missense changes on protein structure and function (SIFT, PolyPhen-2, Align-GVGD) all suggest that this variant is likely to be tolerated. This variant has not been reported in the literature in individuals affected with NPHP1-related conditions. This variant is not present in population databases (gnomAD no frequency). This sequence change replaces arginine, which is basic and polar, with proline, which is neutral and non-polar, at codon 669 of the NPHP1 protein (p.Arg669Pro).

NM_001128178.3(NPHP1):c.1838G>C (p.Arg613Pro)

Gene: NPHP1 (nephrocystin 1; minus strand). Cytogenetic location: 2q13.
Variant type: single nucleotide variant.
Coding change: c.1838G>C on transcript NM_001128178.3 (MANE Select); coding-DNA position 1838, G replaced by C.
Protein change: p.Arg613Pro; replaces arginine 613 with proline.
Molecular consequence: missense variant. On other transcripts: 3 prime UTR variant (1).
Genome position (GRCh38, 1-based): chr2:110,123,987, C>G on the plus strand (G>C on the coding strand, the complement: NPHP1 is on the minus strand). VCF-style: chr2-110123987-C-G. GRCh37 (hg19) VCF-style: chr2-110881564-C-G.
Other names: c.2006G>C, p.Arg669Pro (NM_000272.5); c.1649G>C, p.Arg550Pro (NM_001128179.3); c.1835G>C, p.Arg612Pro (NM_001374256.1); c.*80G>C (NM_001374257.1); c.2003G>C, p.Arg668Pro (NM_207181.4); short protein forms R550P, R668P, R613P, R669P, R612P.
Identifiers: ClinVar variation 2008332 (VCV002008332.4), dbSNP rs566866150, ClinGen allele CA348086222.
Genomic context (GRCh38, chr2:110,123,987, plus strand): 5'-GTGATAACTTTCCACCGTGCAGTCTCAGTCTCTTCTTCTGCCCACCTGAATGGGGGTAGG[C>G]GTGTGGAGTGGAGAAGTGGGAGCACGCAGTCATGGTAAACCAGGAGAAACGTGGACTTCA-3'
Protein context (NP_001121650.1, residues 603-623): DCVLPLLHST[Arg613Pro]LPPFRWAEEE